The following is an entry in ClinVar:

ClinVar aggregate classification (germline): Conflicting classifications of pathogenicity. Review status: criteria provided, conflicting classifications (1 of 4 stars). 5 submissions from 5 submitters: Likely pathogenic (1); Uncertain significance (2). 2 of the submissions do not count toward it. Last evaluated 2024-06-12.

Conditions:
Type IV short rib polydactyly syndrome (SRTD12). Also called: Beemer-Langer syndrome; SHORT RIB SYNDROME, BEEMER TYPE; SRPS IV; Short rib-polydactyly syndrome type 4; SRPS type 4; Short rib-polydactyly syndrome Beemer type. Identifiers: Orphanet 93268, MedGen C0432198, MONDO:0010024, OMIM 269860.
Short-rib thoracic dysplasia 6 with or without polydactyly (SRTD6). Also called: POLYDACTYLY WITH NEONATAL CHONDRODYSTROPHY, TYPE II; SHORT RIB-POLYDACTYLY SYNDROME, TYPE IIA; Majewski Syndrome; SHORT-RIB THORACIC DYSPLASIA 6 WITH POLYDACTYLY; SHORT-RIB THORACIC DYSPLASIA 6 WITHOUT POLYDACTYLY. Identifiers: MedGen C0024507, MONDO:0009894, OMIM 263520.
Mohr syndrome (OFD2). Also called: OFDS II; ORAL-FACIAL-DIGITAL SYNDROME, TYPE II; OROFACIODIGITAL SYNDROME II. Identifiers: Orphanet 2751, MedGen C0026363, MONDO:0009642, OMIM 252100.
Amyotrophic lateral sclerosis, susceptibility to, 24. Identifiers: MedGen C4693523, MONDO:0054750, OMIM 617892.

Allele frequency attached by ClinVar (database versions not stated): gnomAD 0.00001; gnomAD exomes 0.00003; TOPMed 0.00001.

Submissions (5):

Fulgent Genetics
Classification: Uncertain significance for Mohr syndrome; Short-rib thoracic dysplasia 6 with or without polydactyly; Amyotrophic lateral sclerosis, susceptibility to, 24. Last evaluated: 2024-06-12. Review status: criteria provided, single submitter. Criteria: ACMG Guidelines, 2015. Collection method: clinical testing. Allele origin: germline.

3billion
Classification: Likely pathogenic for Short-rib thoracic dysplasia 6 with or without polydactyly. Last evaluated: 2023-02-23. Review status: criteria provided, single submitter. Criteria: ACMG Guidelines, 2015. Collection method: clinical testing. Allele origin: unknown. Affected: yes.
Comment: The variant is observed at an extremely low frequency in the gnomAD v2.1.1 dataset (total allele frequency: 0.003%). In silico tool predictions suggest damaging effect of the variant on gene or gene product (3Cnet: 0.92). Same nucleotide change resulting in same amino acid change has been previously reported to be associated with NEK1 -related disorder (ClinVar ID: VCV000446674 / PMID: 29068549). The variant has been reported to be in trans with a pathogenic variant as either compound heterozygous or homozygous in at least one similarly affected unrelated individual (PMID: 29068549 / 3billion dataset). Therefore, this variant is classified as Likely pathogenic according to the recommendation of ACMG/AMP guideline.

Juno Genomics, Hangzhou Juno Genomics, Inc
Classification: Uncertain significance for Short-rib thoracic dysplasia 6 with or without polydactyly. Review status: criteria provided, single submitter. Criteria: ACMG Guidelines, 2015. Collection method: clinical testing. Allele origin: germline. Affected: yes.
Comment: Absent from controls (or at extremely low frequency if recessive) in Genome Aggregation Database.;For recessive disorders, detected in trans with a pathogenic variant.;Patient's phenotype or family history is highly specific for a disease with a single genetic etiology.

Dan Cohn Lab, University Of California Los Angeles
Classification: Pathogenic for Type IV short rib polydactyly syndrome. Last evaluated: 2017-06-01. Review status: no assertion criteria provided. Collection method: research. Allele origin: maternal. Affected: yes. Not counted in ClinVar's aggregate classification.

University of Washington Center for Mendelian Genomics, University of Washington
Classification: Likely pathogenic for short-rib polydactyly syndrome type IV. Review status: no assertion criteria provided. Collection method: research. Allele origin: inherited. Affected: yes. Not counted in ClinVar's aggregate classification.

Literature cited by the submitters: PubMed 29068549 (cited by 3 submitters).

NM_001199397.3(NEK1):c.418G>A (p.Gly140Arg)

Gene: NEK1 (NIMA related kinase 1; minus strand). Cytogenetic location: 4q33.
Variant type: single nucleotide variant.
Coding change: c.418G>A on transcript NM_001199397.3 (MANE Select); coding-DNA position 418, G replaced by A.
Protein change: p.Gly140Arg; replaces glycine 140 with arginine.
Molecular consequence: missense variant. On other transcripts: non-coding transcript variant (2).
Genome position (GRCh38, 1-based): chr4:169,589,493, C>T on the plus strand (G>A on the coding strand, the complement: NEK1 is on the minus strand). VCF-style: chr4-169589493-C-T. GRCh37 (hg19) VCF-style: chr4-170510644-C-T.
Other names: c.418G>A, p.Gly140Arg (NM_001199398.3, NM_001199399.3, NM_001199400.3 and 7 more transcripts); c.418G>A (NM_012224.3); short protein forms G140R.
Identifiers: ClinVar variation 446674 (VCV000446674.5), dbSNP rs1301705612, ClinGen allele CA358741166.